The following is an entry in ClinVar:

NM_000548.5(TSC2):c.976-3del

Gene: TSC2 (TSC complex subunit 2; plus strand). Cytogenetic location: 16p13.3.
Variant type: Deletion.
Coding change: c.976-3del on transcript NM_000548.5 (MANE Select); 3 bases into the intron before coding-DNA position 976, one base deleted (C; older notation c.976-3delC).
Molecular consequence: intron variant.
Genome position (GRCh38, 1-based): chr16:2,060,667, C deleted; the last of 2 consecutive C bases (chr16:2,060,666-2,060,667); deleting either gives the same sequence. VCF-style (leftmost placement, unchanged base first): chr16-2060665-TC-T. GRCh37 (hg19) VCF-style: chr16-2110666-TC-T.
Other names: c.976-3delC (NM_000548.3); c.976-3del (NM_001114382.3, NM_021055.3, NM_001370405.1 and 3 more transcripts); c.865-3del (NM_001318827.2); c.376-3del (NM_001318831.2); c.829-3del (NM_001318829.2); c.1009-3del (NM_001318832.2).
Identifiers: ClinVar variation 1442640 (VCV001442640.8), dbSNP rs2151134253, ClinGen allele CA2573151540.

ClinVar aggregate classification (germline): Conflicting classifications of pathogenicity. Review status: criteria provided, conflicting classifications (1 of 4 stars). 3 submissions from 3 submitters: Uncertain significance (2); Likely benign (1). Last evaluated 2025-05-13.

Conditions:
Tuberous sclerosis 2 (TSC2). Identifiers: Orphanet 805, MedGen C1860707, MONDO:0013199, OMIM 613254.
Hereditary cancer-predisposing syndrome. Also called: Tumor predisposition; Hereditary neoplastic syndrome; Hereditary Cancer Syndrome; Neoplastic Syndromes, Hereditary. Identifiers: Orphanet 140162, MedGen C0027672, MeSH D009386, MONDO:0015356.

Submissions (3):

Myriad Genetics, Inc.
Classification: Likely benign for Tuberous sclerosis 2. Last evaluated: 2025-05-13. Review status: criteria provided, single submitter. Criteria: Myriad Autosomal Dominant, Autosomal Recessive and X-Linked Classification Criteria (2023). Collection method: clinical testing. Allele origin: unknown.
Comment: This variant is considered likely benign. This variant is intronic and is not expected to impact mRNA splicing.

Ambry Genetics
Classification: Uncertain significance for Hereditary cancer-predisposing syndrome. Last evaluated: 2024-07-18. Review status: criteria provided, single submitter. Criteria: Ambry Variant Classification Scheme 2023. Collection method: clinical testing. Allele origin: germline.
Comment: The c.976-3delC intronic variant, located in intron 9 of the TSC2 gene, results from a deletion of one nucleotide within intron 9 of the TSC2 gene. This nucleotide position is well conserved in available vertebrate species. In silico splice site analysis predicts that this alteration will not have any significant effect on splicing. RNA studies have demonstrated that this alteration results in an incomplete splice defect; the clinical impact of this abnormal splicing is unknown at this time (Ambry internal data). Based on the available evidence, the clinical significance of this variant remains unclear.

Labcorp Genetics (formerly Invitae), Labcorp
Classification: Uncertain significance for Tuberous sclerosis 2. Last evaluated: 2024-05-06. Review status: criteria provided, single submitter. Criteria: Invitae Variant Classification Sherloc (09022015). Collection method: clinical testing. Allele origin: germline.
Comment: This sequence change falls in intron 10 of the TSC2 gene. It does not directly change the encoded amino acid sequence of the TSC2 protein. This variant is not present in population databases (gnomAD no frequency). This variant has not been reported in the literature in individuals affected with TSC2-related conditions. ClinVar contains an entry for this variant (Variation ID: 1442640). Algorithms developed to predict the effect of sequence changes on RNA splicing suggest that this variant may disrupt the consensus splice site. In summary, the available evidence is currently insufficient to determine the role of this variant in disease. Therefore, it has been classified as a Variant of Uncertain Significance.